The following is an entry in ClinVar:

ClinVar aggregate classification (germline): Likely benign (0 of 4 stars; one submission).

Conditions:
SEMA3B-related disorder. Also called: SEMA3B-related condition.

Submission:

PreventionGenetics, part of Exact Sciences
Classification: Likely benign for SEMA3B-related condition. Last evaluated: 2023-09-06. Review status: no assertion criteria provided. Collection method: clinical testing. Allele origin: germline.
Comment: This variant is classified as likely benign based on ACMG/AMP sequence variant interpretation guidelines (Richards et al. 2015 PMID: 25741868, with internal and published modifications).

NM_001290060.2(SEMA3B):c.1593C>T (p.Asp531=)

Gene: SEMA3B (semaphorin 3B; plus strand). Cytogenetic location: 3p21.31.
Variant type: single nucleotide variant.
Coding change: c.1593C>T on transcript NM_001290060.2 (MANE Select); coding-DNA position 1593, C replaced by T.
Protein change: p.Asp531=; no amino-acid change (aspartic acid 531 retained).
Molecular consequence: synonymous variant.
Genome position (GRCh38, 1-based): chr3:50,275,403, C>T. VCF-style: chr3-50275403-C-T. GRCh37 (hg19) VCF-style: chr3-50312834-C-T.
Other names: c.1590C>T, p.Asp530= (NM_001005914.3); c.1608C>T, p.Asp536= (NM_001290061.1); c.564C>T, p.Asp188= (NM_001290062.2, NM_001290063.2); c.1593C>T, p.Asp531= (NM_004636.4).
Identifiers: ClinVar variation 3348698 (VCV003348698.1).